The following is an entry in ClinVar:

NM_000552.5(VWF):c.5032C>T (p.Pro1678Ser)

Gene: VWF (von Willebrand factor; minus strand). Cytogenetic location: 12p13.31.
Variant type: single nucleotide variant.
Coding change: c.5032C>T on transcript NM_000552.5 (MANE Select); coding-DNA position 5032, C replaced by T.
Protein change: p.Pro1678Ser; replaces proline 1678 with serine.
Molecular consequence: missense variant.
Genome position (GRCh38, 1-based): chr12:6,018,386, G>A on the plus strand (C>T on the coding strand, the complement: VWF is on the minus strand). VCF-style: chr12-6018386-G-A. GRCh37 (hg19) VCF-style: chr12-6127552-G-A.
Other names: short protein forms P1678S.
Identifiers: ClinVar variation 3774048 (VCV003774048.1).
Genomic context (GRCh38, chr12:6,018,386, plus strand): 5'-CGCCCAGCCCTCCCACCTGCACACAAGGTGCCAGCATACCAGGTGCAGGGGAGAGGGTGG[G>A]GATCTGCAGCCCCTCTCCGGAGCAGCACCTCTGCAGCACCAGGTCAGGAGCCTCTCGGGG-3'
Protein context (NP_000543.3, residues 1668-1688): RCCSGEGLQI[Pro1678Ser]TLSPAPDCSQ

ClinVar aggregate classification (germline): Uncertain significance (1 of 4 stars; one submission).

Submission:

GeneDx
Classification: Uncertain significance. Last evaluated: 2024-09-18. Review status: criteria provided, single submitter. Criteria: GeneDx Variant Classification Process June 2021. Collection method: clinical testing. Allele origin: germline. Affected: yes.
Comment: In silico analysis supports that this missense variant has a deleterious effect on protein structure/function; Has not been previously published as pathogenic or benign to our knowledge